The following is an entry in ClinVar:

ClinVar aggregate classification (germline): Uncertain significance (1 of 4 stars; one submission).

Submission:

Labcorp Genetics (formerly Invitae), Labcorp
Classification: Uncertain significance. Last evaluated: 2025-09-05. Review status: criteria provided, single submitter. Criteria: Invitae Variant Classification Sherloc (09022015). Collection method: clinical testing. Allele origin: germline.
Comment: This sequence change replaces glycine, which is neutral and non-polar, with arginine, which is basic and polar, at codon 279 of the CDH2 protein (p.Gly279Arg). This variant is not present in population databases (gnomAD no frequency). This variant has not been reported in the literature in individuals affected with CDH2-related conditions. An algorithm developed to predict the effect of missense changes on protein structure and function (PolyPhen-2) suggests that this variant is likely to be disruptive. In summary, the available evidence is currently insufficient to determine the role of this variant in disease. Therefore, it has been classified as a Variant of Uncertain Significance.

NM_001792.5(CDH2):c.835G>C (p.Gly279Arg)

Gene: CDH2 (cadherin 2; minus strand). Cytogenetic location: 18q12.1.
Variant type: single nucleotide variant.
Coding change: c.835G>C on transcript NM_001792.5 (MANE Select); coding-DNA position 835, G replaced by C.
Protein change: p.Gly279Arg; replaces glycine 279 with arginine.
Molecular consequence: missense variant.
Genome position (GRCh38, 1-based): chr18:28,005,861, C>G on the plus strand (G>C on the coding strand, the complement: CDH2 is on the minus strand). VCF-style: chr18-28005861-C-G. GRCh37 (hg19) VCF-style: chr18-25585825-C-G.
Other names: c.742G>C, p.Gly248Arg (NM_001308176.2); short protein forms G248R, G279R.
Identifiers: ClinVar variation 4726684 (VCV004726684.1).